The following is an entry in ClinVar:

NM_000181.4(GUSB):c.1421A>G (p.Asp474Gly)

Gene: GUSB (glucuronidase beta; minus strand). Cytogenetic location: 7q11.21.
Variant type: single nucleotide variant.
Coding change: c.1421A>G on transcript NM_000181.4 (MANE Select); coding-DNA position 1421, A replaced by G.
Protein change: p.Asp474Gly; replaces aspartic acid 474 with glycine.
Molecular consequence: missense variant.
Genome position (GRCh38, 1-based): chr7:65,970,337, T>C on the plus strand (A>G on the coding strand, the complement: GUSB is on the minus strand). VCF-style: chr7-65970337-T-C. GRCh37 (hg19) VCF-style: chr7-65435324-T-C.
Other names: c.983A>G, p.Asp328Gly (NM_001284290.2); c.851A>G, p.Asp284Gly (NM_001293104.2); c.764A>G, p.Asp255Gly (NM_001293105.2); short protein forms D328G, D474G, D255G, D284G.
Identifiers: ClinVar variation 2837467 (VCV002837467.3), dbSNP rs2484779430, ClinGen allele CA367641708.

ClinVar aggregate classification (germline): Uncertain significance (1 of 4 stars; one submission).

Conditions:
Mucopolysaccharidosis type 7 (MPS7). Also called: BETA-GLUCURONIDASE DEFICIENCY; GUSB DEFICIENCY; SLY SYNDROME; MPS VII. Identifiers: Orphanet 584, MedGen C0085132, MONDO:0009662, OMIM 253220.

Submission:

Labcorp Genetics (formerly Invitae), Labcorp
Classification: Uncertain significance for Mucopolysaccharidosis type 7. Last evaluated: 2023-02-14. Review status: criteria provided, single submitter. Criteria: Invitae Variant Classification Sherloc (09022015). Collection method: clinical testing. Allele origin: germline.
Comment: This sequence change replaces aspartic acid, which is acidic and polar, with glycine, which is neutral and non-polar, at codon 474 of the GUSB protein (p.Asp474Gly). This variant is not present in population databases (gnomAD no frequency). This variant has not been reported in the literature in individuals affected with GUSB-related conditions. Advanced modeling of protein sequence and biophysical properties (such as structural, functional, and spatial information, amino acid conservation, physicochemical variation, residue mobility, and thermodynamic stability) performed at Invitae indicates that this missense variant is expected to disrupt GUSB protein function. Algorithms developed to predict the effect of sequence changes on RNA splicing suggest that this variant may disrupt the consensus splice site. In summary, the available evidence is currently insufficient to determine the role of this variant in disease. Therefore, it has been classified as a Variant of Uncertain Significance.